The following is an entry in ClinVar:

ClinVar aggregate classification (germline): Pathogenic (1 of 4 stars; one submission).

Conditions:
AR-related disorder. Also called: AR-related condition.

Submission:

PreventionGenetics, part of Exact Sciences
Classification: Pathogenic for AR-related condition. Last evaluated: 2025-02-06. Review status: criteria provided, single submitter. Criteria: ACMG Guidelines, 2015. Collection method: clinical testing. Allele origin: germline.
Comment: The AR c.1744G>T variant is predicted to result in the amino acid substitution p.Val582Phe. This variant is alternatively referred to as Val581Phe using legacy nomenclature. This variant has been reported in at least three unrelated individuals with androgen insensitivity syndrome (Lumbroso et al. 1993. PubMed ID: 8224266; Bouvattier et al. 2002. PubMed ID: 11788616). Multiple functional studies suggest that this variant adversely effects protein folding and DNA binding (see for example, Lobaccaro et al. 1996. PubMed ID: 8647313; Black et al. 2004. PubMed ID: 14684849; Karliner et al. 2024. PubMed ID: 38976730). An alternate nucleotide change affecting the same amino acid (p.Val582Leu, aka p.Val581Leu) has been reported in an individual and another relative affected with partial androgen insensitivity (Ledig et al. 2005. PubMed ID: 15925895). The c.1744G>T variant has not been reported in a large population database (gnomAD), indicating this variant is rare. This variant is interpreted as pathogenic.

NM_000044.6(AR):c.1744G>T (p.Val582Phe)

Gene: AR (androgen receptor; plus strand). Cytogenetic location: Xq12.
Variant type: single nucleotide variant.
Coding change: c.1744G>T on transcript NM_000044.6 (MANE Select); coding-DNA position 1744, G replaced by T.
Protein change: p.Val582Phe; replaces valine 582 with phenylalanine.
Molecular consequence: missense variant. On other transcripts: intron variant (1).
Genome position (GRCh38, 1-based): chrX:67,643,383, G>T. VCF-style: chrX-67643383-G-T. GRCh37 (hg19) VCF-style: chrX-66863225-G-T.
Other names: c.148G>T, p.Val50Phe (NM_001011645.3); c.1744G>T, p.Val582Phe (NM_001348061.1, NM_001348063.1); c.1617-42558G>T (NM_001348064.1); short protein forms V50F, V582F.
Identifiers: ClinVar variation 5001870 (VCV005001870.1).